The following is an entry in ClinVar:

NM_001099922.3(ALG13):c.1565A>G (p.Asn522Ser)

Gene: ALG13 (ALG13 UDP-N-acetylglucosaminyltransferase subunit; plus strand). Cytogenetic location: Xq23.
Variant type: single nucleotide variant.
Coding change: c.1565A>G on transcript NM_001099922.3 (MANE Select); coding-DNA position 1565, A replaced by G.
Protein change: p.Asn522Ser; replaces asparagine 522 with serine.
Molecular consequence: missense variant.
Genome position (GRCh38, 1-based): chrX:111,723,862, A>G. VCF-style: chrX-111723862-A-G. GRCh37 (hg19) VCF-style: chrX-110967090-A-G.
Other names: c.1253A>G, p.Asn418Ser (NM_001257230.2, NM_001257234.2, NM_001257237.2); c.1331A>G, p.Asn444Ser (NM_001257231.2); c.1565A>G, p.Asn522Ser (NM_001324292.2); c.1079A>G, p.Asn360Ser (NM_001324293.1); short protein forms N360S, N418S, N444S, N522S.
Identifiers: ClinVar variation 4797530 (VCV004797530.1).

ClinVar aggregate classification (germline): Uncertain significance (1 of 4 stars; one submission).

Conditions:
Developmental and epileptic encephalopathy, 36 (DEE36). Also called: Congenital disorder of glycosylation, type Is; Epileptic encephalopathy, early infantile, 36; ALG13-CDG. Identifiers: Orphanet 324422, MedGen C4317295, MONDO:0010472, OMIM 300884.

gnomAD v4.1: 2 of 1,177,426 alleles (0.00017%); highest among the groups gnomAD compares: South Asian, 0.0019%; no homozygotes.

Submission:

Labcorp Genetics (formerly Invitae), Labcorp
Classification: Uncertain significance for Developmental and epileptic encephalopathy, 36. Last evaluated: 2025-05-12. Review status: criteria provided, single submitter. Criteria: Invitae Variant Classification Sherloc (09022015). Collection method: clinical testing. Allele origin: germline.
Comment: This sequence change replaces asparagine, which is neutral and polar, with serine, which is neutral and polar, at codon 522 of the ALG13 protein (p.Asn522Ser). This variant is not present in population databases (gnomAD no frequency). This variant has not been reported in the literature in individuals affected with ALG13-related conditions. Invitae Evidence Modeling of protein sequence and biophysical properties (such as structural, functional, and spatial information, amino acid conservation, physicochemical variation, residue mobility, and thermodynamic stability) indicates that this missense variant is not expected to disrupt ALG13 protein function with a negative predictive value of 95%. In summary, the available evidence is currently insufficient to determine the role of this variant in disease. Therefore, it has been classified as a Variant of Uncertain Significance.